The following is an entry in ClinVar:

ClinVar aggregate classification (germline): Uncertain significance. Review status: criteria provided, multiple submitters, no conflicts (2 of 4 stars). 2 submissions from 2 submitters: Uncertain significance (2). Last evaluated 2026-04-21.

Conditions:
Ataxia-telangiectasia syndrome (AT). Also called: LOUIS-BAR SYNDROME; Cerebello-oculocutaneous telangiectasia; Immunodeficiency with ataxia telangiectasia; Ataxia telangiectasia (A-T); Ataxia-telangiectasia, complementation group D; AT, COMPLEMENTATION GROUP C. Identifiers: Orphanet 100, MedGen C0004135, MONDO:0008840, OMIM 208900.
Hereditary cancer-predisposing syndrome. Also called: Tumor predisposition; Neoplastic Syndromes, Hereditary; Hereditary Cancer Syndrome; Hereditary neoplastic syndrome. Identifiers: Orphanet 140162, MedGen C0027672, MeSH D009386, MONDO:0015356.

Submissions (2):

Ambry Genetics
Classification: Uncertain significance for Hereditary cancer-predisposing syndrome. Last evaluated: 2026-04-21. Review status: criteria provided, single submitter. Criteria: Ambry Variant Classification Scheme 2023. Collection method: clinical testing. Allele origin: germline.
Comment: The c.8672-11_8672-9delCTT intronic variant, located in intron 58 of the ATM gene, results from a deletion of 3 nucleotides within intron 58 of the ATM gene. Deleted nucleotides are poorly conserved in available vertebrate species. In silico splice site analysis predicts that this alteration will result in the creation or strengthening of a novel splice acceptor site; however, direct evidence is insufficient at this time (Ambry internal data). Based on the available evidence, the clinical significance of this variant remains unclear.

Labcorp Genetics (formerly Invitae), Labcorp
Classification: Uncertain significance for Ataxia-telangiectasia syndrome. Last evaluated: 2022-12-05. Review status: criteria provided, single submitter. Criteria: Invitae Variant Classification Sherloc (09022015). Collection method: clinical testing. Allele origin: germline.
Comment: In summary, the available evidence is currently insufficient to determine the role of this variant in disease. Therefore, it has been classified as a Variant of Uncertain Significance. Algorithms developed to predict the effect of sequence changes on RNA splicing suggest that this variant may create or strengthen a splice site. This variant has not been reported in the literature in individuals affected with ATM-related conditions. This variant is not present in population databases (gnomAD no frequency). This sequence change falls in intron 59 of the ATM gene. It does not directly change the encoded amino acid sequence of the ATM protein.

NM_000051.4(ATM):c.8672-11_8672-9del

Genes: ATM (ATM serine/threonine kinase; plus strand), C11orf65 (chromosome 11 open reading frame 65; minus strand). Cytogenetic location: 11q22.3.
Variant type: Deletion.
Coding change: c.8672-11_8672-9del on transcript NM_000051.4 (MANE Select); 11 bases into the intron before coding-DNA position 8672 through 9 bases into the intron before coding-DNA position 8672, 3 bases deleted (CTT; older notation c.8672-11_8672-9delCTT).
Molecular consequence: intron variant.
Genome position (GRCh38, 1-based): chr11:108,353,755-108,353,757, CTT deleted; deleting any 3 consecutive bases within chr11:108,353,753-108,353,757 gives the same sequence; the c. name uses the placement nearest the transcript's 3' end. VCF-style (leftmost placement, unchanged base first): chr11-108353752-ATTC-A. GRCh37 (hg19) VCF-style: chr11-108224479-ATTC-A.
Other names: c.8672-11_8672-9del (NM_001351834.2); c.640+32165_640+32167del (NM_001330368.2); c.695-18463_695-18461del (NM_001351110.2).
Identifiers: ClinVar variation 2818856 (VCV002818856.4), dbSNP rs2547513822, ClinGen allele CA2739265976.